The following is an entry in ClinVar:

NM_000179.3(MSH6):c.404A>T (p.Asp135Val)

Gene: MSH6 (mutS homolog 6; plus strand). Cytogenetic location: 2p16.3.
Variant type: single nucleotide variant.
Coding change: c.404A>T on transcript NM_000179.3 (MANE Select); coding-DNA position 404, A replaced by T.
Protein change: p.Asp135Val; replaces aspartic acid 135 with valine.
Molecular consequence: missense variant. On other transcripts: 5 prime UTR variant (2), intron variant (1).
Genome position (GRCh38, 1-based): chr2:47,791,070, A>T. VCF-style: chr2-47791070-A-T. GRCh37 (hg19) VCF-style: chr2-48018209-A-T.
Other names: c.-333A>T (NM_001281493.2, NM_001406823.1, NM_001406829.1 and 1 more transcripts); c.-499A>T (NM_001281494.2); c.500A>T, p.Asp167Val (NM_001406795.1, NM_001406802.1); c.404A>T, p.Asp135Val (NM_001406796.1, NM_001406798.1, NM_001406800.1 and 6 more transcripts); c.107A>T, p.Asp36Val (NM_001406797.1, NM_001406801.1, NM_001406805.1 and 10 more transcripts); c.326A>T, p.Asp109Val (NM_001406804.1); c.-525A>T (NM_001406807.1); c.236A>T, p.Asp79Val (NM_001406826.1); and 2 more; short protein forms D36V, D167V, D135V, D109V, D79V.
Identifiers: ClinVar variation 1737344 (VCV001737344.2), dbSNP rs2104108791, ClinGen allele CA346737098.

ClinVar aggregate classification (germline): Uncertain significance (1 of 4 stars; one submission).

Conditions:
Hereditary cancer-predisposing syndrome. Also called: Neoplastic Syndromes, Hereditary; Tumor predisposition; Hereditary Cancer Syndrome; Hereditary neoplastic syndrome. Identifiers: Orphanet 140162, MedGen C0027672, MeSH D009386, MONDO:0015356.

Submission:

Ambry Genetics
Classification: Uncertain significance for Hereditary cancer-predisposing syndrome. Last evaluated: 2022-06-16. Review status: criteria provided, single submitter. Criteria: Ambry Variant Classification Scheme 2023. Collection method: clinical testing. Allele origin: germline.
Comment: The p.D135V variant (also known as c.404A>T), located in coding exon 2 of the MSH6 gene, results from an A to T substitution at nucleotide position 404. The aspartic acid at codon 135 is replaced by valine, an amino acid with highly dissimilar properties. This amino acid position is conserved. In addition, this alteration is predicted to be deleterious by in silico analysis. Since supporting evidence is limited at this time, the clinical significance of this alteration remains unclear.